The following continues an entry in ClinVar:

NM_000492.4(CFTR):c.489+1G>T

Gene: CFTR. ClinVar aggregate classification (germline): Pathogenic. Pathogenic (1).

Submissions 32 to 36 of 36:

Genome Diagnostics Laboratory, The Hospital for Sick Children
Classification: Pathogenic for CFTR-related disorders. Last evaluated: 2019-08-28. Review status: no assertion criteria provided. Collection method: clinical testing. Allele origin: germline. Not counted in ClinVar's aggregate classification.

Clinical Genetics DNA and cytogenetics Diagnostics Lab, Erasmus MC, Erasmus Medical Center
Classification: Pathogenic. Review status: no assertion criteria provided. Collection method: clinical testing. Allele origin: germline. Affected: yes. Study: VKGL Data-share Consensus. Not counted in ClinVar's aggregate classification.

Diagnostic Laboratory, Department of Genetics, University Medical Center Groningen
Classification: Pathogenic. Review status: no assertion criteria provided. Collection method: clinical testing. Allele origin: germline. Affected: yes. Study: VKGL Data-share Consensus. Not counted in ClinVar's aggregate classification.

Dr. Peter K. Rogan Lab, Western University
No classification provided (evidence only). Condition: Familial pancreatic carcinoma. Review status: no classification provided. Collection method: in vitro. Allele origin: not applicable. Functional consequence: skipped exon, retained intron. Not counted in ClinVar's aggregate classification.

GeneReviews
No classification provided. Condition: Cystic fibrosis. Review status: no classification provided. Collection method: literature only. Allele origin: unknown. Not counted in ClinVar's aggregate classification.

Literature cited by the submitters: PMC 3110945 (cited by American College of Medical Genetics and Genomics  (ACMG)); PubMed 21097845 (cited by Victorian Clinical Genetics Services, Murdoch Childrens Research Institute and Quest Diagnostics Nichols Institute San Juan Capistrano); PubMed 16199547 (cited by Labcorp Genetics (formerly Invitae), Labcorp); PubMed 1695717 (cited by Labcorp Genetics (formerly Invitae), Labcorp); PubMed 7691345 (cited by Labcorp Genetics (formerly Invitae), Labcorp); PubMed 9725922 (cited by Labcorp Genetics (formerly Invitae), Labcorp); PubMed 15371902 (cited by 3 submitters); PubMed 23974870 (cited by 7 submitters); PubMed 1710599 (cited by 3 submitters); PubMed 9321772 (cited by 3 submitters); PubMed 9618063 (cited by Dasa and Quest Diagnostics Nichols Institute San Juan Capistrano); PubMed 32429104 (cited by 3 submitters); PubMed 16840743 (cited by Dasa and Quest Diagnostics Nichols Institute San Juan Capistrano); PubMed 22020151 (cited by Dasa and Quest Diagnostics Nichols Institute San Juan Capistrano); PubMed 25910067 (cited by Natera, Inc.); PubMed 7689008 (cited by Ambry Genetics); PubMed 12767731 (cited by Women's Health and Genetics/Laboratory Corporation of America, LabCorp); PubMed 23420618 (cited by Women's Health and Genetics/Laboratory Corporation of America, LabCorp); PubMed 18456578 (cited by Quest Diagnostics Nichols Institute San Juan Capistrano); PubMed 19823873 (cited by Quest Diagnostics Nichols Institute San Juan Capistrano); PubMed 22658665 (cited by Quest Diagnostics Nichols Institute San Juan Capistrano); PubMed 22975760 (cited by Quest Diagnostics Nichols Institute San Juan Capistrano); PubMed 25087612 (cited by Quest Diagnostics Nichols Institute San Juan Capistrano); PubMed 25525159 (cited by Quest Diagnostics Nichols Institute San Juan Capistrano); PubMed 29261177 (cited by Quest Diagnostics Nichols Institute San Juan Capistrano); PubMed 31036917 (cited by Quest Diagnostics Nichols Institute San Juan Capistrano); PubMed 24440181 (cited by Quest Diagnostics Nichols Institute San Juan Capistrano); PubMed 20301428 (cited by GeneReviews).